The following is an entry in ClinVar:

ClinVar aggregate classification (germline): Conflicting classifications of pathogenicity. Review status: criteria provided, conflicting classifications (1 of 4 stars). 3 submissions from 3 submitters: Uncertain significance (2); Likely benign (1). Last evaluated 2025-10-14.

Conditions:
Joubert syndrome 23 (JBTS23). Identifiers: Orphanet 475, MedGen C4084822, MONDO:0014664, OMIM 616490.
Short-rib thoracic dysplasia 14 with polydactyly (SRTD14). Identifiers: Orphanet 397715, MedGen C4225286, MONDO:0014688, OMIM 616546.
Inborn genetic diseases. Identifiers: MedGen C0950123, MeSH D030342.

Allele frequency attached by ClinVar (database versions not stated): gnomAD exomes 0.00004; ExAC 0.00007; ESP Exome Variant Server 0.00008; TOPMed 0.00024; gnomAD 0.00029; 1000 Genomes Project 30x 0.00047; 1000 Genomes Project 0.00060.
gnomAD v4.1: 112 of 1,610,334 alleles (0.007%); highest among the groups gnomAD compares: African/African-American, 0.12%; 2 homozygotes.

Submissions (3):

Ambry Genetics
Classification: Uncertain significance for Inborn genetic diseases. Last evaluated: 2025-10-14. Review status: criteria provided, single submitter. Criteria: Ambry Variant Classification Scheme 2023. Collection method: clinical testing. Allele origin: germline.

Labcorp Genetics (formerly Invitae), Labcorp
Classification: Uncertain significance for Joubert syndrome 23; Short-rib thoracic dysplasia 14 with polydactyly. Last evaluated: 2022-10-24. Review status: criteria provided, single submitter. Criteria: Invitae Variant Classification Sherloc (09022015). Collection method: clinical testing. Allele origin: germline.
Comment: This sequence change replaces leucine, which is neutral and non-polar, with valine, which is neutral and non-polar, at codon 888 of the KIAA0586 protein (p.Leu888Val). This variant is present in population databases (rs113040775, gnomAD 0.08%). This variant has not been reported in the literature in individuals affected with KIAA0586-related conditions. ClinVar contains an entry for this variant (Variation ID: 1053106). Advanced modeling of protein sequence and biophysical properties (such as structural, functional, and spatial information, amino acid conservation, physicochemical variation, residue mobility, and thermodynamic stability) performed at Invitae indicates that this missense variant is not expected to disrupt KIAA0586 protein function. Algorithms developed to predict the effect of sequence changes on RNA splicing suggest that this variant may disrupt the consensus splice site. In summary, the available evidence is currently insufficient to determine the role of this variant in disease. Therefore, it has been classified as a Variant of Uncertain Significance.

Blueprint Genetics
Classification: Likely benign. Last evaluated: 2022-05-04. Review status: criteria provided, single submitter. Criteria: ACMG Guidelines, 2015. Collection method: clinical testing. Allele origin: germline.

NM_001329943.3(KIAA0586):c.2503C>G (p.Leu835Val)

Gene: KIAA0586 (KIAA0586; plus strand). Cytogenetic location: 14q23.1.
Variant type: single nucleotide variant.
Coding change: c.2503C>G on transcript NM_001329943.3 (MANE Select); coding-DNA position 2503, C replaced by G.
Protein change: p.Leu835Val; replaces leucine 835 with valine.
Molecular consequence: missense variant.
Genome position (GRCh38, 1-based): chr14:58,470,673, C>G. VCF-style: chr14-58470673-C-G. GRCh37 (hg19) VCF-style: chr14-58937391-C-G.
Other names: c.2275C>G (NM_014749.3); c.2662C>G, p.Leu888Val (NM_001244189.2); c.2458C>G, p.Leu820Val (NM_001244190.2); c.2248C>G, p.Leu750Val (NM_001244191.2, NM_001329945.2, NM_001364700.1 and 1 more transcripts); c.2371C>G, p.Leu791Val (NM_001244192.2); c.2083C>G, p.Leu695Val (NM_001244193.2); c.2503C>G, p.Leu835Val (NM_001329944.2, NM_001329946.2, NM_001329947.2); c.2275C>G, p.Leu759Val (NM_014749.5); short protein forms L695V, L750V, L759V, L791V, L820V, L835V, L888V.
Identifiers: ClinVar variation 1053106 (VCV001053106.6), dbSNP rs113040775, ClinGen allele CA7205895.